The following is an entry in ClinVar:

NM_000257.4(MYH7):c.2105T>A (p.Ile702Asn)

Gene: MYH7 (myosin heavy chain 7; minus strand). Cytogenetic location: 14q11.2.
Variant type: single nucleotide variant.
Coding change: c.2105T>A on transcript NM_000257.4 (MANE Select); coding-DNA position 2105, T replaced by A.
Protein change: p.Ile702Asn; replaces isoleucine 702 with asparagine.
Molecular consequence: missense variant.
Genome position (GRCh38, 1-based): chr14:23,426,021, A>T on the plus strand (T>A on the coding strand, the complement: MYH7 is on the minus strand). VCF-style: chr14-23426021-A-T. GRCh37 (hg19) VCF-style: chr14-23895230-A-T.
Other names: p.I702N:ATC>AAC; short protein forms I702N.
Identifiers: ClinVar variation 42880 (VCV000042880.14), dbSNP rs397516132, ClinGen allele CA011696.

ClinVar aggregate classification (germline): Pathogenic/Likely pathogenic. Review status: criteria provided, multiple submitters, no conflicts (2 of 4 stars). 4 submissions from 4 submitters: Pathogenic (1); Likely pathogenic (3). Last evaluated 2025-02-12.

Conditions:
Cardiomyopathy (CMYO). Also called: Cardiomyopathies. Identifiers: Orphanet 167848, MedGen C0878544, MONDO:0004994, HP:0001638. Inheritance: Various modes of inheritance.
Hypertrophic cardiomyopathy. Also called: HYPERTROPHIC MYOCARDIOPATHY. Identifiers: Orphanet 217569, MedGen C0007194, MeSH D002312, MONDO:0005045, HP:0001639.

Submissions (4):

Labcorp Genetics (formerly Invitae), Labcorp
Classification: Pathogenic for Hypertrophic cardiomyopathy. Last evaluated: 2025-02-12. Review status: criteria provided, single submitter. Criteria: Invitae Variant Classification Sherloc (09022015). Collection method: clinical testing. Allele origin: germline.
Comment: This sequence change replaces isoleucine, which is neutral and non-polar, with asparagine, which is neutral and polar, at codon 702 of the MYH7 protein (p.Ile702Asn). This variant is not present in population databases (gnomAD no frequency). This missense change has been observed in individual(s) with hypertrophic cardiomyopathy (PMID: 25611685; internal data). In at least one individual the variant was observed to be de novo. It has also been observed to segregate with disease in related individuals. ClinVar contains an entry for this variant (Variation ID: 42880). Invitae Evidence Modeling of protein sequence and biophysical properties (such as structural, functional, and spatial information, amino acid conservation, physicochemical variation, residue mobility, and thermodynamic stability) indicates that this missense variant is expected to disrupt MYH7 protein function with a positive predictive value of 95%. This variant is found within a region of MYH7 between codons 181 and 937 that contains the majority of the myosin head domain. Missense variants in this region have been shown to be significantly overrepresented in individuals with hypertrophic cardiomyopathy (PMID: 27532257). For these reasons, this variant has been classified as Pathogenic.

Women's Health and Genetics/Laboratory Corporation of America, LabCorp
Classification: Likely pathogenic for Cardiomyopathy. Last evaluated: 2019-08-12. Review status: criteria provided, single submitter. Criteria: LabCorp Variant Classification Summary - May 2015. Collection method: clinical testing. Allele origin: germline.
Comment: Variant summary: MYH7 c.2105T>A (p.Ile702Asn) results in a non-conservative amino acid change located in the Myosin head, motor domain (IPR001609) of the encoded protein sequence. Five of five in-silico tools predict a damaging effect of the variant on protein function. The variant was absent in 251412 control chromosomes (gnomAD) but has been reported in the literature in individuals affected with Cardiomyopathy (Bishara_2008, Walsh_2017, Alfares_2015), which includes one family showing segregation with disease (Bishara_2008). These data indicate that the variant is likely to be associated with disease. Another missense change at this codon, p.I702V, has also been documented as pathogenic in the literature (PMID # 23283745, 27247418, 27532257) suggesting the importance of this residue in MYH7 protein function. To our knowledge, no experimental evidence demonstrating an impact on protein function has been reported. A ClinVar submission (evaluation after 2014) cites the variant as likely pathogenic. Based on the evidence outlined above, the variant was classified as likely pathogenic.

GeneDx
Classification: Likely pathogenic. Last evaluated: 2014-05-23. Review status: criteria provided, single submitter. Criteria: GeneDx Variant Classification (06012015). Collection method: clinical testing. Allele origin: germline. Affected: yes.
Comment: p.Ile702Asn (ATC>AAC): c.2105 T>A in exon 19 of the MYH7 gene (NM_000257.2). An I702N variant that is likely pathogenic was identified in the MYH7 gene. I702N in the MYH7 gene has been reported in an individual with HCM (Zou et al., 2013). I702N results in a non-conservative amino acid substitution of a non-polar Isoleucine with a polar Asparagine at a position that is well conserved across species. Consequently, in silico analysis predicts I702N is damaging to the protein structure/function. Mutations in nearby residues (N696S, V698A, C705W, P710H, P710R, R712L) have been reported in association with HCM, further supporting the functional importance of this region of the protein. Furthermore, the I702N variant was not observed in approximately 6,500 individuals of European and African American ancestry in the NHLBI Exome Sequencing Project, indicating it is not a common benign variant in these populations. Therefore, this variant is a strong candidate for a pathogenic mutation, however the possibility that it is a benign variant cannot be excluded. The variant is found in DCM,HCM,CARDIOMYOPATHY panel(s).

Laboratory for Molecular Medicine, Mass General Brigham Personalized Medicine
Classification: Likely pathogenic for Hypertrophic cardiomyopathy. Last evaluated: 2014-02-06. Review status: criteria provided, single submitter. Criteria: LMM Criteria. Collection method: clinical testing. Allele origin: germline. Inheritance: Autosomal dominant inheritance. Observed: 4 variant alleles.
Comment: The Ile702Asn variant in MYH7 has been reported in 1 individual with DCM as well as 5 affected relatives (2 with DCM and 3 with HCM), with the possibility that the DCM in this family resulted from end-stage HCM (Bishara 2008, LMM unpublishe d data, pers. comm.). The variant was absent from large population studies and was predicted to be pathogenic using a computational tool clinically validated b y our laboratory. This tool's pathogenic prediction is estimated to be correct 9 4% of the time (Jordan 2011).In summary, this variant is likely to be pathogenic , though additional studies are required to fully establish its clinical signifi cance.

Literature cited by the submitters: PubMed 25611685 (cited by Labcorp Genetics (formerly Invitae), Labcorp and Women's Health and Genetics/Laboratory Corporation of America, LabCorp); PubMed 27532257 (cited by Labcorp Genetics (formerly Invitae), Labcorp and Women's Health and Genetics/Laboratory Corporation of America, LabCorp); PubMed 28606303 (cited by Women's Health and Genetics/Laboratory Corporation of America, LabCorp).